The following is an entry in ClinVar:

ClinVar aggregate classification (germline): Likely pathogenic. Review status: criteria provided, multiple submitters, no conflicts (2 of 4 stars). 2 submissions from 2 submitters: Likely pathogenic (2). Last evaluated 2026-08-06.

Conditions:
Diffuse cerebral and cerebellar atrophy - intractable seizures - progressive microcephaly syndrome. Also called: Microcephaly, progressive, with seizures and cerebral and cerebellar atrophy. Identifiers: Orphanet 404437, MedGen C4014239, MONDO:0014335, OMIM 615760.

Allele frequency attached by ClinVar (database versions not stated): TOPMed below 0.00001.

Submissions (2):

OLLIN Analises Genomicas, OLLIN
Classification: Likely pathogenic for Diffuse cerebral and cerebellar atrophy - intractable seizures - progressive microcephaly syndrome. Last evaluated: 2026-08-06. Review status: criteria provided, single submitter. Criteria: ACMG Guidelines 2015 PMID 25741868. Collection method: clinical testing. Allele origin: germline.
Comment: This variant, located at the canonical splicing site (splice acceptor), is absent from gnomAD and has not been identified in the literature. However, it has been reported in ClinVar (accession VCV001499540.3). This variant is predicted to disrupt a canonical splice site, potentially leading to exon skipping, mRNA degradation via nonsense-mediated decay (NMD), or production of a truncated protein. According to the currently available evidence, this variant has been classified as likely pathogenic (PVS1, PM2_P).

Labcorp Genetics (formerly Invitae), Labcorp
Classification: Likely pathogenic for Diffuse cerebral and cerebellar atrophy - intractable seizures - progressive microcephaly syndrome. Last evaluated: 2021-12-01. Review status: criteria provided, single submitter. Criteria: Invitae Variant Classification Sherloc (09022015). Collection method: clinical testing. Allele origin: germline.
Comment: This sequence change affects an acceptor splice site in intron 16 of the QARS gene. It is expected to disrupt RNA splicing. Variants that disrupt the donor or acceptor splice site typically lead to a loss of protein function (PMID: 16199547), and loss-of-function variants in QARS are known to be pathogenic (PMID: 24656866, 25471517). This variant is not present in population databases (gnomAD no frequency). This variant has not been reported in the literature in individuals affected with QARS-related conditions. Algorithms developed to predict the effect of sequence changes on RNA splicing suggest that this variant may disrupt the consensus splice site. In summary, the currently available evidence indicates that the variant is pathogenic, but additional data are needed to prove that conclusively. Therefore, this variant has been classified as Likely Pathogenic.

Literature cited by the submitters: PubMed 16199547 (cited by Labcorp Genetics (formerly Invitae), Labcorp); PubMed 24656866 (cited by Labcorp Genetics (formerly Invitae), Labcorp); PubMed 25471517 (cited by Labcorp Genetics (formerly Invitae), Labcorp).

NM_005051.3(QARS1):c.1527-2A>G

Gene: QARS1 (glutaminyl-tRNA synthetase 1; minus strand). Cytogenetic location: 3p21.31.
Variant type: single nucleotide variant.
Coding change: c.1527-2A>G on transcript NM_005051.3 (MANE Select); the canonical splice acceptor site of the intron before coding-DNA position 1527, A replaced by G.
Molecular consequence: splice acceptor variant.
Genome position (GRCh38, 1-based): chr3:49,099,433, T>C on the plus strand (A>G on the coding strand, the complement: QARS1 is on the minus strand). VCF-style: chr3-49099433-T-C. GRCh37 (hg19) VCF-style: chr3-49136866-T-C.
Other names: c.1494-2A>G (NM_001272073.2).
Identifiers: ClinVar variation 1499540 (VCV001499540.4), dbSNP rs1331307146, ClinGen allele CA352705502.